The following is an entry in ClinVar:

NM_001040716.2(PC):c.137-5T>A

Gene: PC (pyruvate carboxylase; minus strand). Cytogenetic location: 11q13.2.
Variant type: single nucleotide variant.
Coding change: c.137-5T>A on transcript NM_001040716.2 (MANE Select); 5 bases into the intron before coding-DNA position 137, T replaced by A.
Molecular consequence: intron variant.
Genome position (GRCh38, 1-based): chr11:66,871,876, A>T on the plus strand (T>A on the coding strand, the complement: PC is on the minus strand). VCF-style: chr11-66871876-A-T. GRCh37 (hg19) VCF-style: chr11-66639347-A-T.
Other names: c.137-5T>A (NM_000920.4, NM_022172.3, NM_000920.3).
Identifiers: ClinVar variation 2186406 (VCV002186406.5), dbSNP rs918437272, ClinGen allele CA224096028.

ClinVar aggregate classification (germline): Conflicting classifications of pathogenicity. Review status: criteria provided, conflicting classifications (1 of 4 stars). 2 submissions from 2 submitters: Uncertain significance (1); Likely benign (1). Last evaluated 2026-01-26.

Conditions:
Inborn genetic diseases. Identifiers: MedGen C0950123, MeSH D030342.
Pyruvate carboxylase deficiency. Also called: Pyruvate Carboxylase Deficiency Disease; ATAXIA WITH LACTIC ACIDOSIS II; LEIGH NECROTIZING ENCEPHALOPATHY DUE TO PYRUVATE CARBOXYLASE DEFICIENCY; LEIGH SYNDROME DUE TO PYRUVATE CARBOXYLASE DEFICIENCY; PC DEFICIENCY. Identifiers: Orphanet 3008, MedGen C0034341, MONDO:0009949, OMIM 266150.

gnomAD v4.1: 10 of 1,606,912 alleles (0.00062%); highest among the groups gnomAD compares: Admixed American, 0.017%; no homozygotes.

Submissions (2):

Labcorp Genetics (formerly Invitae), Labcorp
Classification: Likely benign for Pyruvate carboxylase deficiency. Last evaluated: 2026-01-26. Review status: criteria provided, single submitter. Criteria: Invitae Variant Classification Sherloc (09022015). Collection method: clinical testing. Allele origin: germline.

Ambry Genetics
Classification: Uncertain significance for Inborn genetic diseases. Last evaluated: 2021-03-26. Review status: criteria provided, single submitter. Criteria: Ambry Variant Classification Scheme 2023. Collection method: clinical testing. Allele origin: germline.
Comment: The c.137-5T>A intronic alteration consists of a T to A substitution 5 nucleotides before coding exon 2 in the PC gene. Based on insufficient or conflicting evidence, the clinical significance of this alteration remains unclear.